The following is an entry in ClinVar:

ClinVar aggregate classification (germline): Uncertain significance (1 of 4 stars; one submission).

Allele frequency attached by ClinVar (database versions not stated): TOPMed below 0.00001.
gnomAD v4.1: 1 of 1,614,074 alleles (0.000062%); highest among the groups gnomAD compares: Non-Finnish European, 0.000085%; no homozygotes.

Submission:

Labcorp Genetics (formerly Invitae), Labcorp
Classification: Uncertain significance. Last evaluated: 2022-04-13. Review status: criteria provided, single submitter. Criteria: Invitae Variant Classification Sherloc (09022015). Collection method: clinical testing. Allele origin: germline.
Comment: In summary, the available evidence is currently insufficient to determine the role of this variant in disease. Therefore, it has been classified as a Variant of Uncertain Significance. Algorithms developed to predict the effect of missense changes on protein structure and function output the following: SIFT: "Deleterious"; PolyPhen-2: "Benign"; Align-GVGD: "Class C25". The isoleucine amino acid residue is found in multiple mammalian species, which suggests that this missense change does not adversely affect protein function. This variant has not been reported in the literature in individuals affected with VCAN-related conditions. This variant is not present in population databases (gnomAD no frequency). This sequence change replaces threonine, which is neutral and polar, with isoleucine, which is neutral and non-polar, at codon 2961 of the VCAN protein (p.Thr2961Ile).

NM_004385.5(VCAN):c.8882C>T (p.Thr2961Ile)

Genes: VCAN (versican; plus strand), VCAN-AS1 (VCAN antisense RNA 1; minus strand). Cytogenetic location: 5q14.3.
Variant type: single nucleotide variant.
Coding change: c.8882C>T on transcript NM_004385.5 (MANE Select); coding-DNA position 8882, C replaced by T.
Protein change: p.Thr2961Ile; replaces threonine 2961 with isoleucine.
Molecular consequence: missense variant. On other transcripts: intron variant (2).
Genome position (GRCh38, 1-based): chr5:83,541,885, C>T. VCF-style: chr5-83541885-C-T. GRCh37 (hg19) VCF-style: chr5-82837704-C-T.
Other names: c.5921C>T, p.Thr1974Ile (NM_001164097.2); c.4004-3652C>T (NM_001164098.2); c.1043-3652C>T (NM_001126336.3); short protein forms T2961I, T1974I.
Identifiers: ClinVar variation 1949163 (VCV001949163.5), dbSNP rs1580050115, ClinGen allele CA360294384.